The following is an entry in ClinVar:

NM_004991.4(MECOM):c.578A>G (p.Asp193Gly)

Gene: MECOM (MDS1 and EVI1 complex locus; minus strand). Cytogenetic location: 3q26.2.
Variant type: single nucleotide variant.
Coding change: c.578A>G on transcript NM_004991.4 (MANE Select); coding-DNA position 578, A replaced by G.
Protein change: p.Asp193Gly; replaces aspartic acid 193 with glycine.
Molecular consequence: missense variant.
Genome position (GRCh38, 1-based): chr3:169,131,464, T>C on the plus strand (A>G on the coding strand, the complement: MECOM is on the minus strand). VCF-style: chr3-169131464-T-C. GRCh37 (hg19) VCF-style: chr3-168849252-T-C.
Other names: c.206A>G, p.Asp69Gly (NM_001105077.4); c.14A>G, p.Asp5Gly (NM_001105078.4, NM_001163999.2, NM_001164000.2 and 9 more transcripts); c.578A>G, p.Asp193Gly (NM_001366466.2, NM_001366473.2); short protein forms D5G, D193G, D69G.
Identifiers: ClinVar variation 4105744 (VCV004105744.1).

ClinVar aggregate classification (germline): Uncertain significance (1 of 4 stars; one submission).

Conditions:
Inborn genetic diseases. Identifiers: MedGen C0950123, MeSH D030342.

gnomAD v4.1: 4 of 1,614,014 alleles (0.00025%); highest among the groups gnomAD compares: Non-Finnish European, 0.00034%; no homozygotes.

Submission:

Ambry Genetics
Classification: Uncertain significance for Inborn genetic diseases. Last evaluated: 2025-06-29. Review status: criteria provided, single submitter. Criteria: Ambry Variant Classification Scheme 2023. Collection method: clinical testing. Allele origin: germline.
Comment: The p.D193G variant (also known as c.578A>G), located in coding exon 4 of the MECOM gene, results from an A to G substitution at nucleotide position 578. The aspartic acid at codon 193 is replaced by glycine, an amino acid with similar properties. This amino acid position is conserved. In addition, this alteration is predicted to be tolerated by in silico analysis. Based on the available evidence, the clinical significance of this variant remains unclear.